The following is an entry in ClinVar:

ClinVar aggregate classification (germline): Uncertain significance. Review status: criteria provided, multiple submitters, no conflicts (2 of 4 stars). 3 submissions from 3 submitters: Uncertain significance (3). Last evaluated 2023-04-11.

Conditions:
Hereditary spastic paraplegia. Also called: Familial spastic paraparesis. Identifiers: Orphanet 685, MedGen C0037773, MONDO:0019064. Disease mechanism: loss of function.
Hereditary spastic paraplegia 47. Also called: CEREBRAL PALSY, SPASTIC QUADRIPLEGIC, 5; adaptor protein 4 (AP-4) deficiency syndrome; Spastic paraplegia 47, autosomal recessive. Identifiers: Orphanet 280763, MedGen C3279738, MONDO:0013551, OMIM 614066.

Allele frequency attached by ClinVar (database versions not stated): gnomAD 0.00009 and 0.00013; TOPMed 0.00011; gnomAD exomes 0.00012 and 0.00023; ESP Exome Variant Server 0.00015; ExAC 0.00026; 1000 Genomes Project 30x 0.00047; 1000 Genomes Project 0.00060.
gnomAD v4.1: 200 of 1,614,166 alleles (0.012%); highest among the groups gnomAD compares: South Asian, 0.11%; no homozygotes.

Submissions (3):

Genome-Nilou Lab
Classification: Uncertain significance for Hereditary spastic paraplegia 47. Last evaluated: 2023-04-11. Review status: criteria provided, single submitter. Criteria: ACMG Guidelines, 2015. Collection method: clinical testing. Allele origin: germline. Affected: no.

Labcorp Genetics (formerly Invitae), Labcorp
Classification: Uncertain significance for Hereditary spastic paraplegia 47. Last evaluated: 2022-09-01. Review status: criteria provided, single submitter. Criteria: Invitae Variant Classification Sherloc (09022015). Collection method: clinical testing. Allele origin: germline.
Comment: This sequence change replaces leucine, which is neutral and non-polar, with phenylalanine, which is neutral and non-polar, at codon 499 of the AP4B1 protein (p.Leu499Phe). This variant is present in population databases (rs147573619, gnomAD 0.1%). This variant has not been reported in the literature in individuals affected with AP4B1-related conditions. ClinVar contains an entry for this variant (Variation ID: 663108). Algorithms developed to predict the effect of missense changes on protein structure and function are either unavailable or do not agree on the potential impact of this missense change (SIFT: "Deleterious"; PolyPhen-2: "Possibly Damaging"; Align-GVGD: "Class C0"). In summary, the available evidence is currently insufficient to determine the role of this variant in disease. Therefore, it has been classified as a Variant of Uncertain Significance.

Genome Diagnostics Laboratory, The Hospital for Sick Children
Classification: Uncertain significance for Hereditary spastic paraplegia. Last evaluated: 2019-12-01. Review status: criteria provided, single submitter. Criteria: ACMG Guidelines, 2015. Collection method: clinical testing. Allele origin: germline. Affected: yes.

NM_001253852.3(AP4B1):c.1497G>T (p.Leu499Phe)

Genes: AP4B1-AS1 (AP4B1 antisense RNA 1; plus strand), AP4B1 (adaptor related protein complex 4 subunit beta 1; minus strand). Cytogenetic location: 1p13.2.
Variant type: single nucleotide variant.
Coding change: c.1497G>T on transcript NM_001253852.3 (MANE Select); coding-DNA position 1497, G replaced by T.
Protein change: p.Leu499Phe; replaces leucine 499 with phenylalanine.
Molecular consequence: missense variant.
Genome position (GRCh38, 1-based): chr1:113,896,271, C>A on the plus strand (G>T on the coding strand, the complement: AP4B1 is on the minus strand). VCF-style: chr1-113896271-C-A. GRCh37 (hg19) VCF-style: chr1-114438893-C-A.
Other names: c.1200G>T, p.Leu400Phe (NM_001253853.3); c.993G>T, p.Leu331Phe (NM_001308312.2); c.1497G>T, p.Leu499Phe (NM_006594.5); short protein forms L499F, L331F, L400F.
Identifiers: ClinVar variation 663108 (VCV000663108.9), dbSNP rs147573619, ClinGen allele CA1015783.